The following is an entry in ClinVar:

ClinVar aggregate classification (germline): Uncertain significance (1 of 4 stars; one submission).

Conditions:
Nephronophthisis 18 (NPHP18). Identifiers: Orphanet 655, MedGen C3890591, MONDO:0014374, OMIM 615862.

Submission:

Labcorp Genetics (formerly Invitae), Labcorp
Classification: Uncertain significance for Nephronophthisis 18. Last evaluated: 2023-08-04. Review status: criteria provided, single submitter. Criteria: Invitae Variant Classification Sherloc (09022015). Collection method: clinical testing. Allele origin: germline.
Comment: In summary, the available evidence is currently insufficient to determine the role of this variant in disease. Therefore, it has been classified as a Variant of Uncertain Significance. This variant has not been reported in the literature in individuals affected with CEP83-related conditions. This variant is not present in population databases (gnomAD no frequency). This sequence change replaces arginine with isoleucine at codon 618 of the CEP83 protein (p.Arg618Ile). The arginine residue is highly conserved and there is a moderate physicochemical difference between arginine and isoleucine. ClinVar contains an entry for this variant (Variation ID: 1450980). Advanced modeling of protein sequence and biophysical properties (such as structural, functional, and spatial information, amino acid conservation, physicochemical variation, residue mobility, and thermodynamic stability) performed at Invitae indicates that this missense variant is expected to disrupt CEP83 protein function.

NM_016122.3(CEP83):c.1853G>T (p.Arg618Ile)

Gene: CEP83 (centrosomal protein 83; minus strand). Cytogenetic location: 12q22.
Variant type: single nucleotide variant.
Coding change: c.1853G>T on transcript NM_016122.3 (MANE Select); coding-DNA position 1853, G replaced by T.
Protein change: p.Arg618Ile; replaces arginine 618 with isoleucine.
Molecular consequence: missense variant. On other transcripts: non-coding transcript variant (2).
Genome position (GRCh38, 1-based): chr12:94,310,066, C>A on the plus strand (G>T on the coding strand, the complement: CEP83 is on the minus strand). VCF-style: chr12-94310066-C-A. GRCh37 (hg19) VCF-style: chr12-94703842-C-A.
Other names: c.1541G>T, p.Arg514Ile (NM_001368039.1, NM_001368040.1, NM_001346458.2 and 1 more transcripts); c.1628G>T, p.Arg543Ile (NM_001368041.1); c.1853G>T, p.Arg618Ile (NM_001042399.2, NM_001346457.2, NM_001368037.1 and 1 more transcripts); short protein forms R514I, R618I, R543I.
Identifiers: ClinVar variation 1450980 (VCV001450980.6), dbSNP rs2136276642, ClinGen allele CA386046496.